The following is an entry in ClinVar:

ClinVar aggregate classification (germline): Likely benign (1 of 4 stars; one submission).

Submission:

CeGaT Center for Human Genetics Tuebingen
Classification: Likely benign. Last evaluated: 2023-08-01. Review status: criteria provided, single submitter. Criteria: CeGaT Center For Human Genetics Tuebingen Variant Classification Criteria Version 2. Collection method: clinical testing. Allele origin: germline. Affected: yes. Observed: 1 variant allele.
Comment: KIR2DL4: BP4, BP7

NM_001080770.2(KIR2DL4):c.294A>G (p.Arg98=)

Gene: KIR2DL4 (killer cell immunoglobulin like receptor, two Ig domains and long cytoplasmic tail 4). Cytogenetic location: 19q13.42.
Variant type: single nucleotide variant.
Coding change: c.294A>G on transcript NM_001080770.2 (MANE Select); coding-DNA position 294, A replaced by G.
Protein change: p.Arg98=; no amino-acid change (arginine 98 retained).
Molecular consequence: synonymous variant.
Genome position (GRCh38, 1-based): chr19:54,805,010, A>G. VCF-style: chr19-54805010-A-G. GRCh37 (hg19) VCF-style: chr19-55316465-A-G.
Other names: c.294A>G, p.Arg98= (NM_001080772.2).
Identifiers: ClinVar variation 2650470 (VCV002650470.24), dbSNP rs796138923, ClinGen allele CA309906770.